The following is an entry in ClinVar:

ClinVar aggregate classification (germline): Uncertain significance (1 of 4 stars; one submission).

Conditions:
Hereditary cancer-predisposing syndrome. Also called: Hereditary Cancer Syndrome; Hereditary neoplastic syndrome; Tumor predisposition; Neoplastic Syndromes, Hereditary. Identifiers: Orphanet 140162, MedGen C0027672, MeSH D009386, MONDO:0015356.

Submission:

Ambry Genetics
Classification: Uncertain significance for Hereditary cancer-predisposing syndrome. Last evaluated: 2024-07-23. Review status: criteria provided, single submitter. Criteria: Ambry Variant Classification Scheme 2023. Collection method: clinical testing. Allele origin: germline.
Comment: The p.S229P variant (also known as c.685T>C), located in coding exon 2 of the ALK gene, results from a T to C substitution at nucleotide position 685. The serine at codon 229 is replaced by proline, an amino acid with similar properties. This amino acid position is conserved. In addition, this alteration is predicted to be tolerated by in silico analysis. Based on the available evidence, the clinical significance of this variant remains unclear.

NM_004304.5(ALK):c.685T>C (p.Ser229Pro)

Gene: ALK (ALK receptor tyrosine kinase; minus strand). Cytogenetic location: 2p23.2.
Variant type: single nucleotide variant.
Coding change: c.685T>C on transcript NM_004304.5 (MANE Select); coding-DNA position 685, T replaced by C.
Protein change: p.Ser229Pro; replaces serine 229 with proline.
Molecular consequence: missense variant.
Genome position (GRCh38, 1-based): chr2:29,717,680, A>G on the plus strand (T>C on the coding strand, the complement: ALK is on the minus strand). VCF-style: chr2-29717680-A-G. GRCh37 (hg19) VCF-style: chr2-29940546-A-G.
Other names: short protein forms S229P.
Identifiers: ClinVar variation 3524119 (VCV003524119.1).